The following is an entry in ClinVar:

ClinVar aggregate classification (germline): Uncertain significance. Review status: criteria provided, multiple submitters, no conflicts (2 of 4 stars). 2 submissions from 2 submitters: Uncertain significance (2). Last evaluated 2023-11-25.

Conditions:
Cardiomyopathy (CMYO). Also called: Cardiomyopathies. Identifiers: Orphanet 167848, MedGen C0878544, MONDO:0004994, HP:0001638. Inheritance: Various modes of inheritance.
Dilated cardiomyopathy 1D. Identifiers: Orphanet 154, Orphanet 54260, MedGen C1832243, MONDO:0011095, OMIM 601494.
Hypertrophic cardiomyopathy 2. Also called: TNNT2-Related Familial Hypertrophic Cardiomyopathy. Identifiers: MedGen C1861864, MONDO:0007266, OMIM 115195.
Cardiomyopathy, familial restrictive, 3. Identifiers: Orphanet 75249, MedGen C2676271, MONDO:0012900, OMIM 612422.

Submissions (2):

Labcorp Genetics (formerly Invitae), Labcorp
Classification: Uncertain significance for Cardiomyopathy, familial restrictive, 3; Hypertrophic cardiomyopathy 2; Dilated cardiomyopathy 1D. Last evaluated: 2023-11-25. Review status: criteria provided, single submitter. Criteria: Invitae Variant Classification Sherloc (09022015). Collection method: clinical testing. Allele origin: germline.
Comment: This sequence change falls in intron 15 of the TNNT2 gene. It does not directly change the encoded amino acid sequence of the TNNT2 protein. It affects a nucleotide within the consensus splice site. This variant is not present in population databases (gnomAD no frequency). This variant has not been reported in the literature in individuals affected with TNNT2-related conditions. Variants that disrupt the consensus splice site are a relatively common cause of aberrant splicing (PMID: 17576681, 9536098). Algorithms developed to predict the effect of sequence changes on RNA splicing suggest that this variant may disrupt the consensus splice site. In summary, the available evidence is currently insufficient to determine the role of this variant in disease. Therefore, it has been classified as a Variant of Uncertain Significance.

All of Us Research Program, National Institutes of Health
Classification: Uncertain significance for Cardiomyopathy. Last evaluated: 2023-05-04. Review status: criteria provided, single submitter. Criteria: ACMG Guidelines, 2015. Collection method: clinical testing. Allele origin: germline. Inheritance: Autosomal dominant inheritance. Observed: 1 variant allele, 1 heterozygote.
Comment: This variant causes a T to A nucleotide substitution at the +6 position of intron 15 of the TNNT2 gene. Splice site prediction tools predict that this variant may have a significant impact on RNA splicing. To our knowledge, functional studies have not been reported for this variant. This variant has not been reported in individuals affected with TNNT2-related disorders in the literature. This variant has not been identified in the general population by the Genome Aggregation Database (gnomAD). The available evidence is insufficient to determine the role of this variant in disease conclusively. Therefore, this variant is classified as a Variant of Uncertain Significance.

This study involves interpretation of variants in research participants for the purpose of population health screening. Participant phenotype was not available at the time of variant classification. Additional details can be found in publication PMID: 35346344, PMCID: PMC8962531

Literature cited by the submitters: PubMed 17576681 (cited by Labcorp Genetics (formerly Invitae), Labcorp); PubMed 9536098 (cited by Labcorp Genetics (formerly Invitae), Labcorp).

NM_001276345.2(TNNT2):c.851+6T>A

Gene: TNNT2 (troponin T2, cardiac type; minus strand). Cytogenetic location: 1q32.1.
Variant type: single nucleotide variant.
Coding change: c.851+6T>A on transcript NM_001276345.2 (MANE Select); 6 bases into the intron after coding-DNA position 851, T replaced by A.
Molecular consequence: intron variant.
Genome position (GRCh38, 1-based): chr1:201,359,617, A>T on the plus strand (T>A on the coding strand, the complement: TNNT2 is on the minus strand). VCF-style: chr1-201359617-A-T. GRCh37 (hg19) VCF-style: chr1-201328745-A-T.
Other names: c.812+6T>A (NM_001406727.1, NM_001001431.3, NM_001406726.1); c.821+6T>A (NM_001406724.1, NM_001001430.3, NM_001276347.2); c.803+6T>A (NM_001001432.3); c.806+6T>A (NM_001406728.1); c.818+6T>A (NM_001406725.1); c.722+6T>A (NM_001276346.2); c.842+6T>A (NM_000364.4, NM_001406723.1).
Identifiers: ClinVar variation 2934884 (VCV002934884.4), dbSNP rs1658220606, ClinGen allele CA2740090295.